The following is an entry in ClinVar:

ClinVar aggregate classification (germline): Conflicting classifications of pathogenicity. Review status: criteria provided, conflicting classifications (1 of 4 stars). 2 submissions from 2 submitters: Uncertain significance (1); Likely benign (1). Last evaluated 2022-10-17.

Conditions:
Brugada syndrome 4 (BRGDA4). Identifiers: Orphanet 130, MedGen C2678477, MONDO:0012743, OMIM 611876.
Cardiovascular phenotype. Identifiers: MedGen CN230736.

Allele frequency attached by ClinVar (database versions not stated): gnomAD 0.00001; TOPMed 0.00002.
gnomAD v4.1: 16 of 1,613,602 alleles (0.00099%); highest among the groups gnomAD compares: Admixed American, 0.0067%; no homozygotes.

Submissions (2):

Ambry Genetics
Classification: Likely benign for Cardiovascular phenotype. Last evaluated: 2022-10-17. Review status: criteria provided, single submitter. Criteria: Ambry Variant Classification Scheme 2023. Collection method: clinical testing. Allele origin: germline.

Labcorp Genetics (formerly Invitae), Labcorp
Classification: Uncertain significance for Brugada syndrome 4. Last evaluated: 2020-08-03. Review status: criteria provided, single submitter. Criteria: Invitae Variant Classification Sherloc (09022015). Collection method: clinical testing. Allele origin: germline.
Comment: This sequence change replaces arginine with histidine at codon 571 of the CACNB2 protein (p.Arg571His). The arginine residue is highly conserved and there is a small physicochemical difference between arginine and histidine. This variant is present in population databases (rs772911828, ExAC 0.005%). This variant has not been reported in the literature in individuals with CACNB2-related disease. Algorithms developed to predict the effect of missense changes on protein structure and function do not agree on the potential impact of this missense change (SIFT: "Deleterious"; PolyPhen-2: "Probably Damaging"; Align-GVGD: "Class C0"). In summary, the available evidence is currently insufficient to determine the role of this variant in disease. Therefore, it has been classified as a Variant of Uncertain Significance.

NM_201596.3(CACNB2):c.1874G>A (p.Arg625His)

Gene: CACNB2 (calcium voltage-gated channel auxiliary subunit beta 2; plus strand). Cytogenetic location: 10p12.31.
Variant type: single nucleotide variant.
Coding change: c.1874G>A on transcript NM_201596.3 (MANE Select); coding-DNA position 1874, G replaced by A.
Protein change: p.Arg625His; replaces arginine 625 with histidine.
Molecular consequence: missense variant.
Genome position (GRCh38, 1-based): chr10:18,539,615, G>A. VCF-style: chr10-18539615-G-A. GRCh37 (hg19) VCF-style: chr10-18828544-G-A.
Other names: c.1709G>A, p.Arg570His (NM_000724.4); c.1676G>A, p.Arg559His (NM_001167945.2); c.1595G>A, p.Arg532His (NM_001330060.2); c.1730G>A, p.Arg577His (NM_201570.3); c.1790G>A, p.Arg597His (NM_201571.4); c.1718G>A, p.Arg573His (NM_201572.4); c.1712G>A, p.Arg571His (NM_201590.3); c.1760G>A, p.Arg587His (NM_201593.3); and 1 more; short protein forms R625H, R571H, R587H, R559H, R573H, R577H, R597H, R601H.
Identifiers: ClinVar variation 537374 (VCV000537374.9), dbSNP rs772911828, ClinGen allele CA5430190.